The following is an entry in ClinVar:

NM_000059.4(BRCA2):c.8263G>A (p.Gly2755Arg)

Gene: BRCA2 (BRCA2 DNA repair associated; plus strand). Cytogenetic location: 13q13.1.
Variant type: single nucleotide variant.
Coding change: c.8263G>A on transcript NM_000059.4 (MANE Select); coding-DNA position 8263, G replaced by A.
Protein change: p.Gly2755Arg; replaces glycine 2755 with arginine.
Molecular consequence: missense variant.
Genome position (GRCh38, 1-based): chr13:32,363,465, G>A. VCF-style: chr13-32363465-G-A. GRCh37 (hg19) VCF-style: chr13-32937602-G-A.
Other names: short protein forms G2755R.
Identifiers: ClinVar variation 839456 (VCV000839456.10), dbSNP rs2072760139, ClinGen allele CA387750002.
Genomic context (GRCh38, chr13:32,363,465, plus strand): 5'-CCCCTCTTAGCTGTCTTAAAGAATGGCAGACTGACAGTTGGTCAGAAGATTATTCTTCAT[G>A]GAGCAGAACTGGTGGGCTCTCCTGATGCCTGTACACCTCTTGAAGCCCCAGAATCTCTTA-3'
Protein context (NP_000050.3, residues 2745-2765): LTVGQKIILH[Gly2755Arg]AELVGSPDAC

ClinVar aggregate classification (germline): Uncertain significance (1 of 4 stars; one submission).

Conditions:
Hereditary breast ovarian cancer syndrome. Also called: Hereditary breast and ovarian cancer syndrome (HBOC); Hereditary breast and ovarian cancer; Hereditary breast and/or ovarian cancer syndrome; Hereditary breast and ovarian cancer syndrome; Breast and ovarian cancer; BRCA1- and BRCA2-Associated Hereditary Breast and Ovarian Cancer. Identifiers: Orphanet 145, MedGen C0677776, MeSH D061325, MONDO:0003582. Disease mechanism: loss of function.

Submission:

Labcorp Genetics (formerly Invitae), Labcorp
Classification: Uncertain significance for Hereditary breast ovarian cancer syndrome. Last evaluated: 2019-10-09. Review status: criteria provided, single submitter. Criteria: Invitae Variant Classification Sherloc (09022015). Collection method: clinical testing. Allele origin: germline.
Comment: Algorithms developed to predict the effect of missense changes on protein structure and function (SIFT, PolyPhen-2, Align-GVGD) all suggest that this variant is likely to be disruptive, but these predictions have not been confirmed by published functional studies and their clinical significance is uncertain. Algorithms developed to predict the effect of sequence changes on RNA splicing suggest that this variant may create or strengthen a splice site, but this prediction has not been confirmed by published transcriptional studies. In summary, the available evidence is currently insufficient to determine the role of this variant in disease. Therefore, it has been classified as a Variant of Uncertain Significance. This sequence change replaces glycine with arginine at codon 2755 of the BRCA2 protein (p.Gly2755Arg). The glycine residue is highly conserved and there is a moderate physicochemical difference between glycine and arginine. This variant is not present in population databases (ExAC no frequency). This variant has not been reported in the literature in individuals with BRCA2-related conditions.